The following is an entry in ClinVar:

NM_001042492.3(NF1):c.53A>G (p.Asp18Gly)

Genes: NF1 (neurofibromin 1; plus strand), MIR4733HG (MIR4733 host gene; minus strand), LOC111811965 (NF1 (neurofibromin 1) promoter region; plus strand). Cytogenetic location: 17q11.2.
Variant type: single nucleotide variant.
Coding change: c.53A>G on transcript NM_001042492.3 (MANE Select); coding-DNA position 53, A replaced by G.
Protein change: p.Asp18Gly; replaces aspartic acid 18 with glycine.
Molecular consequence: missense variant. On other transcripts: non-coding transcript variant (1).
Genome position (GRCh38, 1-based): chr17:31,095,362, A>G. VCF-style: chr17-31095362-A-G. GRCh37 (hg19) VCF-style: chr17-29422380-A-G.
Other names: c.53A>G, p.Asp18Gly (NM_000267.4, NM_001128147.3); short protein forms D18G.
Identifiers: ClinVar variation 1747288 (VCV001747288.2), dbSNP rs2143145636, ClinGen allele CA398979403.

ClinVar aggregate classification (germline): Uncertain significance (1 of 4 stars; one submission).

Conditions:
Cardiovascular phenotype. Identifiers: MedGen CN230736.
Hereditary cancer-predisposing syndrome. Also called: Hereditary Cancer Syndrome; Neoplastic Syndromes, Hereditary; Tumor predisposition; Hereditary neoplastic syndrome. Identifiers: Orphanet 140162, MedGen C0027672, MeSH D009386, MONDO:0015356.

Submission:

Ambry Genetics
Classification: Uncertain significance for Cardiovascular phenotype; Hereditary cancer-predisposing syndrome. Last evaluated: 2021-12-20. Review status: criteria provided, single submitter. Criteria: Ambry Variant Classification Scheme 2023. Collection method: clinical testing. Allele origin: germline.
Comment: The p.D18G variant (also known as c.53A>G), located in coding exon 1 of the NF1 gene, results from an A to G substitution at nucleotide position 53. The aspartic acid at codon 18 is replaced by glycine, an amino acid with similar properties. This amino acid position is highly conserved in available vertebrate species. In addition, the in silico prediction for this alteration is inconclusive. Since supporting evidence is limited at this time, the clinical significance of this alteration remains unclear.